The following is an entry in ClinVar:

NM_025145.7(CFAP43):c.1691C>T (p.Ser564Phe)

Gene: CFAP43 (cilia and flagella associated protein 43; minus strand). Cytogenetic location: 10q25.1.
Variant type: single nucleotide variant.
Coding change: c.1691C>T on transcript NM_025145.7 (MANE Select); coding-DNA position 1691, C replaced by T.
Protein change: p.Ser564Phe; replaces serine 564 with phenylalanine.
Molecular consequence: missense variant.
Genome position (GRCh38, 1-based): chr10:104,187,489, G>A on the plus strand (C>T on the coding strand, the complement: CFAP43 is on the minus strand). VCF-style: chr10-104187489-G-A. GRCh37 (hg19) VCF-style: chr10-105947247-G-A.
Other names: c.1691C>T (NM_025145.6); short protein forms S564F.
Identifiers: ClinVar variation 776539 (VCV000776539.21), dbSNP rs35021397, ClinGen allele CA5680835.
Genomic context (GRCh38, chr10:104,187,489, plus strand): 5'-TACAGGTACTTATGAATGATTTCATCTTTCAGCCTTCCTCTTTCATCAGCAAAGGTTGTG[G>A]AAACTATTAGATTTGGAAAAAGAAGAGAAATCACTTGTACCATAAATTAATTTTGTTTTT-3'
Protein context (NP_079421.5, residues 554-574): FTLPTLLPQV[Ser564Phe]TTFADERGRL

ClinVar aggregate classification (germline): Conflicting classifications of pathogenicity. Review status: criteria provided, conflicting classifications (1 of 4 stars). 5 submissions from 5 submitters: Uncertain significance (1); Benign (2); Likely benign (1). 1 of the submissions does not count toward it. Last evaluated 2026-07-01.

Conditions:
CFAP43-related disorder. Also called: CFAP43-related condition.

Allele frequency attached by ClinVar (database versions not stated): 1000 Genomes Project 0.00120; 1000 Genomes Project 30x 0.00125; ExAC 0.00270; TOPMed 0.00272; gnomAD exomes 0.00283 and 0.00425; ESP Exome Variant Server 0.00284; gnomAD 0.00290 and 0.00296.
gnomAD v4.1: 6,361 of 1,563,872 alleles (0.41%); highest among the groups gnomAD compares: Non-Finnish European, 0.49%; 19 homozygotes.

Submissions (5):

CeGaT Center for Human Genetics Tuebingen
Classification: Likely benign. Last evaluated: 2026-07-01. Review status: criteria provided, single submitter. Criteria: CeGaT Center For Human Genetics Tuebingen Variant Classification Criteria Version 2. Collection method: clinical testing. Allele origin: germline. Affected: yes. Observed: 4 variant alleles.
Comment: CFAP43: BP4, BS2

Ambry Genetics
Classification: Uncertain significance. Last evaluated: 2025-08-10. Review status: criteria provided, single submitter. Criteria: Ambry Variant Classification Scheme 2023. Collection method: clinical testing. Allele origin: germline.

Labcorp Genetics (formerly Invitae), Labcorp
Classification: Benign. Last evaluated: 2019-12-31. Review status: criteria provided, single submitter. Criteria: Invitae Variant Classification Sherloc (09022015). Collection method: clinical testing. Allele origin: germline.

Breakthrough Genomics
Classification: Benign. Review status: criteria provided, single submitter. Criteria: ACMG Guidelines, 2015. Collection method: not provided. Allele origin: germline. Inheritance: Autosomal recessive inheritance. Affected: yes.

PreventionGenetics, part of Exact Sciences
Classification: Likely benign for CFAP43-related condition. Last evaluated: 2022-03-23. Review status: no assertion criteria provided. Collection method: clinical testing. Allele origin: germline. Not counted in ClinVar's aggregate classification.
Comment: This variant is classified as likely benign based on ACMG/AMP sequence variant interpretation guidelines (Richards et al. 2015 PMID: 25741868, with internal and published modifications).